The following is an entry in ClinVar:

ClinVar aggregate classification (germline): Uncertain significance (1 of 4 stars; one submission).

Conditions:
Hereditary cancer-predisposing syndrome. Also called: Hereditary Cancer Syndrome; Hereditary neoplastic syndrome; Tumor predisposition; Neoplastic Syndromes, Hereditary. Identifiers: Orphanet 140162, MedGen C0027672, MeSH D009386, MONDO:0015356.

gnomAD v4.1: 1 of 1,593,132 alleles (0.000063%); highest among the groups gnomAD compares: Admixed American, 0.0017%; no homozygotes.

Submission:

Ambry Genetics
Classification: Uncertain significance for Hereditary cancer-predisposing syndrome. Last evaluated: 2021-06-02. Review status: criteria provided, single submitter. Criteria: Ambry Variant Classification Scheme 2023. Collection method: clinical testing. Allele origin: germline.
Comment: The c.2393-4C>A intronic variant results from a C to A substitution 4 nucleotides upstream from coding exon 14 in the RET gene. This nucleotide position is well conserved in available vertebrate species. In silico splice site analysis predicts that this alteration will not have any significant effect on splicing. Since supporting evidence is limited at this time, the clinical significance of this alteration remains unclear.

NM_020975.6(RET):c.2393-4C>A

Gene: RET (ret proto-oncogene; plus strand). Cytogenetic location: 10q11.21.
Variant type: single nucleotide variant.
Coding change: c.2393-4C>A on transcript NM_020975.6 (MANE Select); 4 bases into the intron before coding-DNA position 2393, C replaced by A.
Molecular consequence: intron variant.
Genome position (GRCh38, 1-based): chr10:43,119,527, C>A. VCF-style: chr10-43119527-C-A. GRCh37 (hg19) VCF-style: chr10-43614975-C-A.
Other names: c.2393-4C>A (NM_020630.7, NM_001406743.1, NM_001406744.1 and 2 more transcripts); c.2258-4C>A (NM_001406765.1, NM_001406763.1); c.1997-4C>A (NM_001406772.1, NM_001406769.1); c.1955-4C>A (NM_001406773.1, NM_001406771.1); c.1496-4C>A (NM_001406782.1, NM_001406780.1, NM_001406779.1 and 1 more transcripts); c.1361-4C>A (NM_001406787.1); c.1376-4C>A (NM_001406785.1); c.2264-4C>A (NM_001406764.1, NM_001406762.1, NM_001406761.1); and 10 more.
Identifiers: ClinVar variation 1790580 (VCV001790580.2), dbSNP rs768398267, ClinGen allele CA2580081517.